The following is an entry in ClinVar:

ClinVar aggregate classification (germline): Benign (1 of 4 stars; one submission).

Conditions:
Ehlers-Danlos syndrome, dermatosparaxis type. Also called: EDS VIIC; Dermatosparaxis; Ehlers-Danlos syndrome, type VII, autosomal recessive. Identifiers: Orphanet 1901, MedGen C2700425, MONDO:0009161, OMIM 225410.

Allele frequency attached by ClinVar (database versions not stated): gnomAD 0.23763 and 0.24457; TOPMed 0.24376; gnomAD exomes 0.37500.
gnomAD v4.1: 37,407 of 151,998 alleles (25%); highest among the groups gnomAD compares: South Asian, 38%; 5,456 homozygotes.

Submission:

Illumina Laboratory Services, Illumina
Classification: Benign for Ehlers-Danlos syndrome, dermatosparaxis type. Last evaluated: 2018-01-13. Review status: criteria provided, single submitter. Criteria: ICSL Variant Classification Criteria 13 December 2019. Collection method: clinical testing. Allele origin: germline.
Comment: This variant was observed in the ICSL laboratory as part of a predisposition screen in an ostensibly healthy population. It had not been previously curated by ICSL or reported in the Human Gene Mutation Database (HGMD: prior to June 1st, 2018), and was therefore a candidate for classification through an automated scoring system. Utilizing variant allele frequency, disease prevalence and penetrance estimates, and inheritance mode, an automated score was calculated to assess if this variant is too frequent to cause the disease. Based on the score and internal cut-off values, a variant classified as benign is not then subjected to further curation. The score for this variant resulted in a classification of benign for this disease.

NM_014244.5(ADAMTS2):c.*1586A>G

Gene: ADAMTS2 (ADAM metallopeptidase with thrombospondin type 1 motif 2; minus strand). Cytogenetic location: 5q35.3.
Variant type: single nucleotide variant.
Coding change: c.*1586A>G on transcript NM_014244.5 (MANE Select); 1586 bases downstream of the stop codon, A replaced by G.
Molecular consequence: 3 prime UTR variant.
Genome position (GRCh38, 1-based): chr5:179,112,281, T>C on the plus strand (A>G on the coding strand, the complement: ADAMTS2 is on the minus strand). VCF-style: chr5-179112281-T-C. GRCh37 (hg19) VCF-style: chr5-178539282-T-C.
Identifiers: ClinVar variation 353060 (VCV000353060.5), dbSNP rs888760, ClinGen allele CA10620185.